The following is an entry in ClinVar:

NM_000051.4(ATM):c.5278A>T (p.Met1760Leu)

Gene: ATM (ATM serine/threonine kinase; plus strand). Cytogenetic location: 11q22.3.
Variant type: single nucleotide variant.
Coding change: c.5278A>T on transcript NM_000051.4 (MANE Select); coding-DNA position 5278, A replaced by T.
Protein change: p.Met1760Leu; replaces methionine 1760 with leucine.
Molecular consequence: missense variant.
Genome position (GRCh38, 1-based): chr11:108,301,748, A>T. VCF-style: chr11-108301748-A-T. GRCh37 (hg19) VCF-style: chr11-108172475-A-T.
Other names: c.5278A>T, p.Met1760Leu (NM_001351834.2); short protein forms M1760L.
Identifiers: ClinVar variation 629536 (VCV000629536.17), dbSNP rs151327241, ClinGen allele CA382542621.

ClinVar aggregate classification (germline): Uncertain significance. Review status: criteria provided, multiple submitters, no conflicts (2 of 4 stars). 4 submissions from 4 submitters: Uncertain significance (3). 1 of the submissions does not count toward it. Last evaluated 2025-08-27.

Conditions:
Hereditary cancer-predisposing syndrome. Also called: Tumor predisposition; Neoplastic Syndromes, Hereditary; Hereditary Cancer Syndrome; Hereditary neoplastic syndrome. Identifiers: Orphanet 140162, MedGen C0027672, MeSH D009386, MONDO:0015356.
Ataxia-telangiectasia syndrome (AT). Also called: ATAXIA-TELANGIECTASIA, COMPLEMENTATION GROUP A; ATAXIA-TELANGIECTASIA, FRESNO VARIANT; LOUIS-BAR SYNDROME; Ataxia telangiectasia (A-T); Cerebello-oculocutaneous telangiectasia; Immunodeficiency with ataxia telangiectasia. Identifiers: Orphanet 100, MedGen C0004135, MONDO:0008840, OMIM 208900.

Submissions (4):

Ambry Genetics
Classification: Uncertain significance for Hereditary cancer-predisposing syndrome. Last evaluated: 2025-08-27. Review status: criteria provided, single submitter. Criteria: Ambry Variant Classification Scheme 2023. Collection method: clinical testing. Allele origin: germline.
Comment: The p.M1760L variant (also known as c.5278A>T), located in coding exon 34 of the ATM gene, results from an A to T substitution at nucleotide position 5278. The methionine at codon 1760 is replaced by leucine, an amino acid with highly similar properties. This amino acid position is well conserved in available vertebrate species. In addition, this alteration is predicted to be tolerated by in silico analysis. Based on the available evidence, the clinical significance of this variant remains unclear.

Labcorp Genetics (formerly Invitae), Labcorp
Classification: Uncertain significance for Ataxia-telangiectasia syndrome. Last evaluated: 2022-03-14. Review status: criteria provided, single submitter. Criteria: Invitae Variant Classification Sherloc (09022015). Collection method: clinical testing. Allele origin: germline.
Comment: This sequence change replaces methionine, which is neutral and non-polar, with leucine, which is neutral and non-polar, at codon 1760 of the ATM protein (p.Met1760Leu). Advanced modeling of protein sequence and biophysical properties (such as structural, functional, and spatial information, amino acid conservation, physicochemical variation, residue mobility, and thermodynamic stability) performed at Invitae indicates that this missense variant is not expected to disrupt ATM protein function. This variant is not present in population databases (gnomAD no frequency). This variant has not been reported in the literature in individuals affected with ATM-related conditions. ClinVar contains an entry for this variant (Variation ID: 629536). In summary, the available evidence is currently insufficient to determine the role of this variant in disease. Therefore, it has been classified as a Variant of Uncertain Significance.

Color Diagnostics, LLC DBA Color Health
Classification: Uncertain significance for Hereditary cancer-predisposing syndrome. Last evaluated: 2018-10-19. Review status: criteria provided, single submitter. Criteria: ACMG Guidelines, 2015. Collection method: clinical testing. Allele origin: germline.

Natera, Inc.
Classification: Uncertain significance for Ataxia-telangiectasia. Last evaluated: 2021-09-07. Review status: no assertion criteria provided. Collection method: clinical testing. Allele origin: germline. Not counted in ClinVar's aggregate classification.